The following is an entry in ClinVar:

ClinVar aggregate classification (germline): Likely benign. Review status: criteria provided, multiple submitters, no conflicts (2 of 4 stars). 2 submissions from 2 submitters: Likely benign (2). Last evaluated 2026-01-07.

Conditions:
PLEC-related disorder. Also called: PLEC-related disorders; PLEC-related condition.
Autosomal recessive limb-girdle muscular dystrophy type 2Q (LGMDR17). Also called: MUSCULAR DYSTROPHY, LIMB-GIRDLE, AUTOSOMAL RECESSIVE 17. Identifiers: Orphanet 254361, MedGen C3150989, MONDO:0013390, OMIM 613723.
Epidermolysis bullosa simplex with nail dystrophy (EBS5D). Identifiers: MedGen C4225309, MONDO:0014661, OMIM 616487.
Epidermolysis bullosa simplex 5C, with pyloric atresia (EBS5C). Also called: PLEC-Related Epidermolysis Bullosa with Pyloric Atresia; Epidermolysis bullosa simplex with pyloric atresia; PLEC1-Related Epidermolysis Bullosa with Pyloric Atresia. Identifiers: Orphanet 158684, MedGen C2677349, MONDO:0012807, OMIM 612138.
Epidermolysis bullosa simplex, Ogna type (EBS5A). Also called: Pidermolysis bullosa simplex 5A, Ogna type; EPIDERMOLYSIS BULLOSA SIMPLEX 5A, OGNA TYPE. Identifiers: Orphanet 79401, MedGen C0432317, MONDO:0007555, OMIM 131950.
Epidermolysis bullosa simplex 5B, with muscular dystrophy (EBS5B). Also called: EPIDERMOLYSIS BULLOSA SIMPLEX AND LIMB-GIRDLE MUSCULAR DYSTROPHY; Epidermolysis bullosa simplex with muscular dystrophy. Identifiers: Orphanet 257, MedGen C2931072, MONDO:0009181, OMIM 226670.

Allele frequency attached by ClinVar (database versions not stated): TOPMed 0.00005; gnomAD exomes 0.00006; ExAC 0.00009; gnomAD 0.00009 and 0.00010.
gnomAD v4.1: 141 of 1,586,368 alleles (0.0089%); highest among the groups gnomAD compares: Non-Finnish European, 0.011%; no homozygotes.

Submissions (2):

Labcorp Genetics (formerly Invitae), Labcorp
Classification: Likely benign for Autosomal recessive limb-girdle muscular dystrophy type 2Q; Epidermolysis bullosa simplex, Ogna type; Epidermolysis bullosa simplex with nail dystrophy; Epidermolysis bullosa simplex 5C, with pyloric atresia; Epidermolysis bullosa simplex 5B, with muscular dystrophy. Last evaluated: 2026-01-07. Review status: criteria provided, single submitter. Criteria: Invitae Variant Classification Sherloc (09022015). Collection method: clinical testing. Allele origin: germline.

PreventionGenetics, part of Exact Sciences
Classification: Likely benign for PLEC-related condition. Last evaluated: 2025-12-14. Review status: criteria provided, single submitter. Criteria: ACMG Guidelines, 2015. Collection method: clinical testing. Allele origin: germline.
Comment: This variant is classified as likely benign based on ACMG/AMP sequence variant interpretation guidelines (Richards et al. 2015 PMID: 25741868, with internal and published modifications).

NM_201384.3(PLEC):c.5019G>A (p.Ala1673=)

Gene: PLEC (plectin; minus strand). Cytogenetic location: 8q24.3.
Variant type: single nucleotide variant.
Coding change: c.5019G>A on transcript NM_201384.3 (MANE Select); coding-DNA position 5019, G replaced by A.
Protein change: p.Ala1673=; no amino-acid change (alanine 1673 retained).
Molecular consequence: synonymous variant.
Genome position (GRCh38, 1-based): chr8:143,924,910, C>T on the plus strand (G>A on the coding strand, the complement: PLEC is on the minus strand). VCF-style: chr8-143924910-C-T. GRCh37 (hg19) VCF-style: chr8-144999078-C-T.
Other names: c.5100G>A, p.Ala1700= (NM_000445.5); c.4977G>A, p.Ala1659= (NM_201378.4); c.4953G>A, p.Ala1651= (NM_201379.3); c.5430G>A, p.Ala1810= (NM_201380.4); c.4923G>A, p.Ala1641= (NM_201381.3); c.5019G>A, p.Ala1673= (NM_201382.4); c.5031G>A, p.Ala1677= (NM_201383.3).
Identifiers: ClinVar variation 471600 (VCV000471600.12), dbSNP rs782031336, ClinGen allele CA4926460.